The following is an entry in ClinVar:

NM_005751.5(AKAP9):c.10607+5G>C

Gene: AKAP9 (A-kinase anchoring protein 9; plus strand). Cytogenetic location: 7q21.2.
Variant type: single nucleotide variant.
Coding change: c.10607+5G>C on transcript NM_005751.5 (MANE Select); 5 bases into the intron after coding-DNA position 10607, G replaced by C.
Molecular consequence: intron variant.
Genome position (GRCh38, 1-based): chr7:92,097,799, G>C. VCF-style: chr7-92097799-G-C. GRCh37 (hg19) VCF-style: chr7-91727113-G-C.
Other names: c.10583+5G>C (NM_147185.3); c.5252+5G>C (NM_001379277.1).
Identifiers: ClinVar variation 1928636 (VCV001928636.5), dbSNP rs1325376451, ClinGen allele CA576293340.

ClinVar aggregate classification (germline): Uncertain significance (1 of 4 stars; one submission).

Conditions:
Long QT syndrome (LQTS). Identifiers: MedGen C0023976, MeSH D008133, MONDO:0002442. Disease mechanism: loss of function. Inheritance: Various modes of inheritance.

Allele frequency attached by ClinVar (database versions not stated): gnomAD exomes below 0.00001.
gnomAD v4.1: 1 of 1,613,800 alleles (0.000062%); highest among the groups gnomAD compares: Admixed American, 0.0017%; no homozygotes.

Submission:

Labcorp Genetics (formerly Invitae), Labcorp
Classification: Uncertain significance for Long QT syndrome. Last evaluated: 2022-10-09. Review status: criteria provided, single submitter. Criteria: Invitae Variant Classification Sherloc (09022015). Collection method: clinical testing. Allele origin: germline.
Comment: In summary, the available evidence is currently insufficient to determine the role of this variant in disease. Therefore, it has been classified as a Variant of Uncertain Significance. Variants that disrupt the consensus splice site are a relatively common cause of aberrant splicing (PMID: 17576681, 9536098). Algorithms developed to predict the effect of sequence changes on RNA splicing suggest that this variant may disrupt the consensus splice site. This variant has not been reported in the literature in individuals affected with AKAP9-related conditions. This variant is present in population databases (no rsID available, gnomAD 0.003%). This sequence change falls in intron 42 of the AKAP9 gene. It does not directly change the encoded amino acid sequence of the AKAP9 protein. It affects a nucleotide within the consensus splice site.

Literature cited by the submitters: PubMed 17576681; PubMed 9536098.